The following is an entry in ClinVar:

NM_001184.4(ATR):c.350A>T (p.His117Leu)

Gene: ATR (ATR checkpoint kinase; minus strand). Cytogenetic location: 3q23.
Variant type: single nucleotide variant.
Coding change: c.350A>T on transcript NM_001184.4 (MANE Select); coding-DNA position 350, A replaced by T.
Protein change: p.His117Leu; replaces histidine 117 with leucine.
Molecular consequence: missense variant.
Genome position (GRCh38, 1-based): chr3:142,563,052, T>A on the plus strand (A>T on the coding strand, the complement: ATR is on the minus strand). VCF-style: chr3-142563052-T-A. GRCh37 (hg19) VCF-style: chr3-142281894-T-A.
Other names: c.350A>T, p.His117Leu (NM_001354579.2); short protein forms H117L.
Identifiers: ClinVar variation 2134945 (VCV002134945.4), dbSNP rs2473430215, ClinGen allele CA354827341.

ClinVar aggregate classification (germline): Uncertain significance (1 of 4 stars; one submission).

gnomAD v4.1: 1 of 1,601,108 alleles (0.000062%); highest among the groups gnomAD compares: Non-Finnish European, 0.000085%; no homozygotes.

Submission:

Labcorp Genetics (formerly Invitae), Labcorp
Classification: Uncertain significance. Last evaluated: 2022-05-07. Review status: criteria provided, single submitter. Criteria: Invitae Variant Classification Sherloc (09022015). Collection method: clinical testing. Allele origin: germline.
Comment: This variant has not been reported in the literature in individuals affected with ATR-related conditions. This variant is not present in population databases (gnomAD no frequency). In summary, the available evidence is currently insufficient to determine the role of this variant in disease. Therefore, it has been classified as a Variant of Uncertain Significance. Algorithms developed to predict the effect of missense changes on protein structure and function (SIFT, PolyPhen-2, Align-GVGD) all suggest that this variant is likely to be tolerated. This sequence change replaces histidine, which is basic and polar, with leucine, which is neutral and non-polar, at codon 117 of the ATR protein (p.His117Leu).